The following is an entry in ClinVar:

NM_000219.6(KCNE1):c.22G>A (p.Ala8Thr)

Gene: KCNE1 (potassium voltage-gated channel subfamily E regulatory subunit 1; minus strand). Cytogenetic location: 21q22.12.
Variant type: single nucleotide variant.
Coding change: c.22G>A on transcript NM_000219.6 (MANE Select); coding-DNA position 22, G replaced by A.
Protein change: p.Ala8Thr; replaces alanine 8 with threonine.
Molecular consequence: missense variant.
Genome position (GRCh38, 1-based): chr21:34,449,613, C>T on the plus strand (G>A on the coding strand, the complement: KCNE1 is on the minus strand). VCF-style: chr21-34449613-C-T. GRCh37 (hg19) VCF-style: chr21-35821911-C-T.
Other names: c.22G>A, p.Ala8Thr (NM_001127668.4, NM_001127669.4, NM_001127670.4 and 4 more transcripts); short protein forms A8T.
Identifiers: ClinVar variation 3374358 (VCV003374358.2).

Conditions:
Long QT syndrome 5 (LQT5). Identifiers: Orphanet 101016, Orphanet 768, MedGen C1867904, MONDO:0013372, OMIM 613695.

Submission:

Roden Lab, Vanderbilt University Medical Center
No classification provided (evidence only). Condition: Long QT syndrome 5. Review status: no classification provided. Collection method: in vitro. Allele origin: not applicable. Functional consequence: Effect on ion channel function.
ClinVar note: "not provided" was previously submitted as the classification for the variant. However, the classification appeared to be based only on an observation of functional data so it was converted to no classification on 2025-07-30.